The following is an entry in ClinVar:

ClinVar aggregate classification (germline): Uncertain significance. Review status: criteria provided, multiple submitters, no conflicts (2 of 4 stars). 8 submissions from 8 submitters: Uncertain significance (7). 1 of the submissions does not count toward it. Last evaluated 2026-01-20.

Conditions:
MSH3-related disorder. Also called: MSH3-related condition.
Endometrial carcinoma. Also called: Endometrial carcinoma, somatic. Identifiers: MedGen C0476089, MONDO:0002447, OMIM 608089, HP:0012114.
Familial adenomatous polyposis 4 (FAP4). Also called: MSH3-related attenuated familial adenomatous polyposis. Identifiers: Orphanet 480536, MedGen C4310719, MONDO:0044300, OMIM 617100.
Hereditary cancer-predisposing syndrome. Also called: Hereditary Cancer Syndrome; Hereditary neoplastic syndrome; Neoplastic Syndromes, Hereditary; Tumor predisposition. Identifiers: Orphanet 140162, MedGen C0027672, MeSH D009386, MONDO:0015356.

Allele frequency attached by ClinVar (database versions not stated): gnomAD exomes below 0.00001; TOPMed 0.00004.

Submissions (8):

Labcorp Genetics (formerly Invitae), Labcorp
Classification: Uncertain significance. Last evaluated: 2026-01-20. Review status: criteria provided, single submitter. Criteria: Invitae Variant Classification Sherloc (09022015). Collection method: clinical testing. Allele origin: germline.
Comment: This sequence change replaces methionine, which is neutral and non-polar, with valine, which is neutral and non-polar, at codon 1128 of the MSH3 protein (p.Met1128Val). This variant is present in population databases (no rsID available, gnomAD 0.0009%). This variant has not been reported in the literature in individuals affected with MSH3-related conditions. ClinVar contains an entry for this variant (Variation ID: 664002). An algorithm developed to predict the effect of missense changes on protein structure and function outputs the following: PolyPhen-2: "Benign". The valine amino acid residue is found in multiple mammalian species, which suggests that this missense change does not adversely affect protein function. In summary, the available evidence is currently insufficient to determine the role of this variant in disease. Therefore, it has been classified as a Variant of Uncertain Significance.

Center for Genomic Medicine, Rigshospitalet, Copenhagen University Hospital
Classification: Uncertain significance. Last evaluated: 2025-12-29. Review status: criteria provided, single submitter. Criteria: ACMG Guidelines, 2015. Collection method: clinical testing. Allele origin: germline.

Ambry Genetics
Classification: Uncertain significance for Hereditary cancer-predisposing syndrome. Last evaluated: 2025-07-02. Review status: criteria provided, single submitter. Criteria: Ambry Variant Classification Scheme 2023. Collection method: clinical testing. Allele origin: germline.

Dasa
Classification: Uncertain significance. Last evaluated: 2024-12-11. Review status: criteria provided, single submitter. Criteria: DASA Assertion Criteria. Collection method: clinical testing. Allele origin: germline.
Comment: NM_002439.5(MSH3):c.3382A>G (p.Met1128Val) is a missense variant that results in the substitution of methionine with valine. This variant is rare in population databases. Computational prediction algorithms are consistent with a benign effect. The currently available literature and clinical evidence are not sufficient to establish a definitive association between this variant and the reported condition. Therefore, this variant is classified as a variant of uncertain significance.

Fulgent Genetics
Classification: Uncertain significance for Endometrial carcinoma; Familial adenomatous polyposis 4. Last evaluated: 2024-02-08. Review status: criteria provided, single submitter. Criteria: ACMG Guidelines, 2015. Collection method: clinical testing. Allele origin: germline.

Laboratorio de Genetica e Diagnostico Molecular, Hospital Israelita Albert Einstein
Classification: Uncertain significance for Familial adenomatous polyposis 4. Last evaluated: 2021-10-14. Review status: criteria provided, single submitter. Criteria: ACMG Guidelines, 2015. Collection method: clinical testing. Allele origin: germline. Affected: yes.
Comment: ACMG classification criteria: PM2 moderate, BP4 supporting

Sema4
Classification: Uncertain significance for Hereditary cancer-predisposing syndrome. Last evaluated: 2021-09-15. Review status: criteria provided, single submitter. Criteria: Sema4 Curation Guidelines. Collection method: curation. Allele origin: germline.
Comment: The MSH3 c.3382A>G (p.M1128V) variant has not been reported in the literature to our knowledge. It was observed in 1/113350 chromosomes of the Non-Finnish European subpopulation in the large and broad cohorts of the Genome Aggregation Database (PMID: 32461654). The variant has been reported in ClinVar (Variation ID: 664002). Functional studies have not been performed, and in silico predictions of the variant's effect on protein function are inconclusive. The evidence is insufficient to meet ACMG/AMP criteria for classifying the variant as benign or pathogenic. Thus, the clinical significance of this variant is currently uncertain.

PreventionGenetics, part of Exact Sciences
Classification: Uncertain significance for MSH3-related condition. Last evaluated: 2024-06-08. Review status: no assertion criteria provided. Collection method: clinical testing. Allele origin: germline. Not counted in ClinVar's aggregate classification.
Comment: The MSH3 c.3382A>G variant is predicted to result in the amino acid substitution p.Met1128Val. To our knowledge, this variant has not been reported in the literature. This variant is reported in 0.00088% of alleles in individuals of European (Non-Finnish) descent in gnomAD. This variant is interpreted as a variant of uncertain significance by multiple submitters in ClinVar. At this time, the clinical significance of this variant is uncertain due to the absence of conclusive functional and genetic evidence.

NM_002439.5(MSH3):c.3382A>G (p.Met1128Val)

Gene: MSH3 (mutS homolog 3; plus strand). Cytogenetic location: 5q14.1.
Variant type: single nucleotide variant.
Coding change: c.3382A>G on transcript NM_002439.5 (MANE Select); coding-DNA position 3382, A replaced by G.
Protein change: p.Met1128Val; replaces methionine 1128 with valine.
Molecular consequence: missense variant.
Genome position (GRCh38, 1-based): chr5:80,875,830, A>G. VCF-style: chr5-80875830-A-G. GRCh37 (hg19) VCF-style: chr5-80171649-A-G.
Other names: c.3382A>G (NM_002439.3); short protein forms M1128V.
Identifiers: ClinVar variation 664002 (VCV000664002.20), dbSNP rs1221498955, ClinGen allele CA360347446.
Genomic context (GRCh38, chr5:80,875,830, plus strand): 5'-GCAAAGTTATGGACGATGCATAATGCACAAGACCTGCAGAAGTGGACAGAGGAGTTCAAC[A>G]TGGAAGAAACACAGACTTCTCTTCTTCATTAAAATGAAGACTACATTTGTGAACAAAAAA-3'
Protein context (NP_002430.3, residues 1118-1137): DLQKWTEEFN[Met1128Val]EETQTSLLH